The following is an entry in ClinVar:

NM_001312673.2(PCYT1A):c.374C>T (p.Thr125Met)

Genes: PCYT1A (phosphate cytidylyltransferase 1A, choline; minus strand), LOC126806932 (BRD4-independent group 4 enhancer GRCh37_chr3:195973646-195974845; plus strand). Cytogenetic location: 3q29.
Variant type: single nucleotide variant.
Coding change: c.374C>T on transcript NM_001312673.2 (MANE Select); coding-DNA position 374, C replaced by T.
Protein change: p.Thr125Met; replaces threonine 125 with methionine.
Molecular consequence: missense variant.
Genome position (GRCh38, 1-based): chr3:196,247,479, G>A on the plus strand (C>T on the coding strand, the complement: PCYT1A is on the minus strand). VCF-style: chr3-196247479-G-A. GRCh37 (hg19) VCF-style: chr3-195974350-G-A.
Other names: c.374C>T, p.Thr125Met (NM_005017.4); short protein forms T125M.
Identifiers: ClinVar variation 373332 (VCV000373332.2), dbSNP rs765196598, ClinGen allele CA2779543.

ClinVar aggregate classification (germline): Conflicting classifications of pathogenicity. Review status: criteria provided, conflicting classifications (1 of 4 stars). 2 submissions from 2 submitters: Likely pathogenic (1); Uncertain significance (1). Last evaluated 2019-11-18.

Allele frequency attached by ClinVar (database versions not stated): gnomAD exomes below 0.00001 and 0.00001; ExAC 0.00001.
gnomAD v4.1: 12 of 1,614,094 alleles (0.00074%); highest among the groups gnomAD compares: South Asian, 0.0011%; no homozygotes.

Submissions (2):

Blueprint Genetics
Classification: Uncertain significance. Last evaluated: 2019-11-18. Review status: criteria provided, single submitter. Criteria: ACMG Guidelines, 2015. Collection method: clinical testing. Allele origin: germline.

GeneDx
Classification: Likely pathogenic. Last evaluated: 2016-12-01. Review status: criteria provided, single submitter. Criteria: GeneDx Variant Classification (06012015). Collection method: clinical testing. Allele origin: germline. Affected: yes.
Comment: The T125M variant in the PCYT1A gene has not been reported previously as a pathogenic variant, nor as a benign variant, to our knowledge. The T125M variant was not observed in approximately 6,500 individuals of European and African American ancestry in the NHLBI Exome Sequencing Project, indicating it is not a common benign variant in these populations. The T125M variant is a non-conservative amino acid substitution, which is likely to impact secondary protein structure as these residues differ in polarity, charge, size and/or other properties. This substitution occurs at a position that is conserved across species. In silico analysis predicts this variant is probably damaging to the protein structure/function. Therefore, we interpret T125M as a likely pathogenic variant.